The following is an entry in ClinVar:

NM_001378964.1(CDON):c.*3514A>G

Gene: CDON (cell adhesion associated, oncogene regulated; minus strand). Cytogenetic location: 11q24.2.
Variant type: single nucleotide variant.
Coding change: c.*3514A>G on transcript NM_001378964.1 (MANE Select); 3514 bases downstream of the stop codon, A replaced by G.
Molecular consequence: 3 prime UTR variant.
Genome position (GRCh38, 1-based): chr11:125,957,428, T>C on the plus strand (A>G on the coding strand, the complement: CDON is on the minus strand). VCF-style: chr11-125957428-T-C. GRCh37 (hg19) VCF-style: chr11-125827323-T-C.
Other names: c.*3514A>G (NM_001243597.3, NM_016952.6).
Identifiers: ClinVar variation 880384 (VCV000880384.4), dbSNP rs77815115, ClinGen allele CA230549287.
Genomic context (GRCh38, chr11:125,957,428, plus strand): 5'-GGAAGACATTCGCCCACCCCAATCACAAACTATAAGCAGCGTTGTACAAACAGGGAGTAT[T>C]CCCACCTTCAGGGGCTATGCTATATGAAAGCAGCCTTCTCTTTTAATATAAAATCATATC-3'

ClinVar aggregate classification (germline): Benign (1 of 4 stars; one submission).

Conditions:
Holoprosencephaly 11 (HPE11). Identifiers: Orphanet 2162, MedGen C3280215, MONDO:0013642, OMIM 614226.

Allele frequency attached by ClinVar (database versions not stated): 1000 Genomes Project 30x 0.01015; gnomAD 0.00819 and 0.00781; 1000 Genomes Project 0.00998; TOPMed 0.00852.

Submission:

Illumina Laboratory Services, Illumina
Classification: Benign for Holoprosencephaly 11. Last evaluated: 2018-01-13. Review status: criteria provided, single submitter. Criteria: ICSL Variant Classification Criteria 13 December 2019. Collection method: clinical testing. Allele origin: germline.
Comment: This variant was observed in the ICSL laboratory as part of a predisposition screen in an ostensibly healthy population. It had not been previously curated by ICSL or reported in the Human Gene Mutation Database (HGMD: prior to June 1st, 2018), and was therefore a candidate for classification through an automated scoring system. Utilizing variant allele frequency, disease prevalence and penetrance estimates, and inheritance mode, an automated score was calculated to assess if this variant is too frequent to cause the disease. Based on the score and internal cut-off values, a variant classified as benign is not then subjected to further curation. The score for this variant resulted in a classification of benign for this disease.